The following is an entry in ClinVar:

NM_001458.5(FLNC):c.6362-17C>G

Genes: FLNC (filamin C; plus strand), FLNC-AS1 (FLNC antisense RNA 1; minus strand). Cytogenetic location: 7q32.1.
Variant type: single nucleotide variant.
Coding change: c.6362-17C>G on transcript NM_001458.5 (MANE Select); 17 bases into the intron before coding-DNA position 6362, C replaced by G.
Molecular consequence: intron variant.
Genome position (GRCh38, 1-based): chr7:128,853,698, C>G. VCF-style: chr7-128853698-C-G. GRCh37 (hg19) VCF-style: chr7-128493752-C-G.
Other names: c.6263-17C>G (NM_001127487.2).
Identifiers: ClinVar variation 508275 (VCV000508275.12), dbSNP rs368901431, ClinGen allele CA4475964.

ClinVar aggregate classification (germline): Benign/Likely benign. Review status: criteria provided, multiple submitters, no conflicts (2 of 4 stars). 4 submissions from 4 submitters: Benign (2); Likely benign (2). Last evaluated 2026-01-27.

Conditions:
Distal myopathy with posterior leg and anterior hand involvement. Also called: WILLIAMS DISTAL MYOPATHY. Identifiers: Orphanet 63273, MedGen C3279722, MONDO:0013550, OMIM 614065.
Hypertrophic cardiomyopathy 26. Also called: Cardiomyopathy, familial hypertrophic, 26. Identifiers: Orphanet 75249, MedGen C4310749, MONDO:0014883, OMIM 617047.
Myofibrillar myopathy 5. Also called: Filaminopathy (type); FILAMINOPATHY, AUTOSOMAL DOMINANT. Identifiers: Orphanet 171445, MedGen C1836050, MONDO:0012289, OMIM 609524.

Allele frequency attached by ClinVar (database versions not stated): gnomAD exomes 0.00026; ExAC 0.00031; gnomAD 0.00080 and 0.00094; ESP Exome Variant Server 0.00096; TOPMed 0.00109.

Submissions (5):

Labcorp Genetics (formerly Invitae), Labcorp
Classification: Benign for Distal myopathy with posterior leg and anterior hand involvement; Myofibrillar myopathy 5; Hypertrophic cardiomyopathy 26. Last evaluated: 2026-01-27. Review status: criteria provided, single submitter. Criteria: Invitae Variant Classification Sherloc (09022015). Collection method: clinical testing. Allele origin: germline.

Blueprint Genetics
Classification: Likely benign. Last evaluated: 2023-12-11. Review status: criteria provided, single submitter. Criteria: ACMG Guidelines, 2015. Collection method: clinical testing. Allele origin: germline.

Women's Health and Genetics/Laboratory Corporation of America, LabCorp
Classification: Benign. Last evaluated: 2023-08-19. Review status: criteria provided, single submitter. Criteria: LabCorp Variant Classification Summary - May 2015. Collection method: clinical testing. Allele origin: germline.

GeneDx
Classification: Likely benign. Last evaluated: 2017-03-23. Review status: criteria provided, single submitter. Criteria: GeneDx Variant Classification (06012015). Collection method: clinical testing. Allele origin: germline. Affected: yes.
Comment: This variant is considered likely benign or benign based on one or more of the following criteria: it is a conservative change, it occurs at a poorly conserved position in the protein, it is predicted to be benign by multiple in silico algorithms, and/or has population frequency not consistent with disease.

Dr. Peter K. Rogan Lab, Western University
No classification provided (evidence only). Condition: Malignant tumor of esophagus. Review status: no classification provided. Collection method: in vitro. Allele origin: not applicable. Functional consequence: retained intron. Not counted in ClinVar's aggregate classification.